The following is an entry in ClinVar:

NM_020778.5(ALPK3):c.1871G>A (p.Gly624Glu)

Gene: ALPK3 (alpha kinase 3; plus strand). Cytogenetic location: 15q25.3.
Variant type: single nucleotide variant.
Coding change: c.1871G>A on transcript NM_020778.5 (MANE Select); coding-DNA position 1871, G replaced by A.
Protein change: p.Gly624Glu; replaces glycine 624 with glutamic acid.
Molecular consequence: missense variant.
Genome position (GRCh38, 1-based): chr15:84,856,609, G>A. VCF-style: chr15-84856609-G-A. GRCh37 (hg19) VCF-style: chr15-85399840-G-A.
Other names: short protein forms G624E.
Identifiers: ClinVar variation 3693448 (VCV003693448.3).

ClinVar aggregate classification (germline): Uncertain significance. Review status: criteria provided, multiple submitters, no conflicts (2 of 4 stars). 2 submissions from 2 submitters: Uncertain significance (2). Last evaluated 2025-06-25.

gnomAD v4.1: 1 of 1,614,154 alleles (0.000062%); highest among the groups gnomAD compares: South Asian, 0.0011%; no homozygotes.

Submissions (2):

GeneDx
Classification: Uncertain significance. Last evaluated: 2025-06-25. Review status: criteria provided, single submitter. Criteria: GeneDx Variant Classification Process June 2021. Collection method: clinical testing. Allele origin: germline. Affected: yes.
Comment: Not observed at significant frequency in large population cohorts (gnomAD); In silico analysis suggests that this missense variant does not alter protein structure/function; Has not been previously published as pathogenic or benign to our knowledge

Labcorp Genetics (formerly Invitae), Labcorp
Classification: Uncertain significance. Last evaluated: 2025-05-15. Review status: criteria provided, single submitter. Criteria: Invitae Variant Classification Sherloc (09022015). Collection method: clinical testing. Allele origin: germline.
Comment: This sequence change replaces glycine, which is neutral and non-polar, with glutamic acid, which is acidic and polar, at codon 826 of the ALPK3 protein (p.Gly826Glu). This variant is not present in population databases (gnomAD no frequency). This variant has not been reported in the literature in individuals affected with ALPK3-related conditions. ClinVar contains an entry for this variant (Variation ID: 3693448). Invitae Evidence Modeling of protein sequence and biophysical properties (such as structural, functional, and spatial information, amino acid conservation, physicochemical variation, residue mobility, and thermodynamic stability) indicates that this missense variant is not expected to disrupt ALPK3 protein function with a negative predictive value of 80%. In summary, the available evidence is currently insufficient to determine the role of this variant in disease. Therefore, it has been classified as a Variant of Uncertain Significance.